The following is an entry in ClinVar:

NM_020843.4(SCAPER):c.524A>T (p.Lys175Met)

Gene: SCAPER (S-phase cyclin A associated protein in the ER; minus strand). Cytogenetic location: 15q24.3.
Variant type: single nucleotide variant.
Coding change: c.524A>T on transcript NM_020843.4 (MANE Select); coding-DNA position 524, A replaced by T.
Protein change: p.Lys175Met; replaces lysine 175 with methionine.
Molecular consequence: missense variant. On other transcripts: 5 prime UTR variant (1), non-coding transcript variant (1).
Genome position (GRCh38, 1-based): chr15:76,800,335, T>A on the plus strand (A>T on the coding strand, the complement: SCAPER is on the minus strand). VCF-style: chr15-76800335-T-A. GRCh37 (hg19) VCF-style: chr15-77092676-T-A.
Other names: c.-374A>T (NM_001145923.2); c.524A>T, p.Lys175Met (NM_001353009.2); c.122A>T, p.Lys41Met (NM_001353010.2, NM_001353011.2, NM_001353012.2); short protein forms K175M, K41M.
Identifiers: ClinVar variation 4985464 (VCV004985464.1).

ClinVar aggregate classification (germline): Uncertain significance (1 of 4 stars; one submission).

Conditions:
SCAPER-related disorder. Also called: SCAPER-related condition.

gnomAD v4.1: 1 of 1,612,556 alleles (0.000062%); highest among the groups gnomAD compares: Non-Finnish European, 0.000085%; no homozygotes.

Submission:

PreventionGenetics, part of Exact Sciences
Classification: Uncertain significance for SCAPER-related condition. Last evaluated: 2025-03-05. Review status: criteria provided, single submitter. Criteria: ACMG Guidelines, 2015. Collection method: clinical testing. Allele origin: germline.
Comment: The SCAPER c.524A>T variant is predicted to result in the amino acid substitution p.Lys175Met. To our knowledge, this variant has not been reported in the literature. This variant is reported in 0.0065% of alleles in individuals of European (Non-Finnish) descent in gnomAD. At this time, the clinical significance of this variant is uncertain due to the absence of conclusive functional and genetic evidence.